The following is an entry in ClinVar:

ClinVar aggregate classification (germline): Pathogenic. Review status: criteria provided, multiple submitters, no conflicts (2 of 4 stars). 3 submissions from 3 submitters: Pathogenic (2). 1 of the submissions does not count toward it. Last evaluated 2022-02-11.

Conditions:
Spondyloepiphyseal dysplasia tarda (SEDT). Also called: SPONDYLOEPIPHYSEAL DYSPLASIA, LATE. Identifiers: Orphanet 93284, MedGen CN033239, MONDO:0019667.
Hereditary spastic paraplegia 4. Also called: Spastic paraplegia 4, autosomal dominant; Spastic Paraplegia 4; Familial spastic paraplegia autosomal dominant 2. Identifiers: Orphanet 100985, MedGen C1866855, MONDO:0008438, OMIM 182601.

Submissions (3):

Laboratory of Medical Genetics, National & Kapodistrian University of Athens
Classification: Pathogenic for Hereditary spastic paraplegia 4. Last evaluated: 2022-02-11. Review status: criteria provided, single submitter. Criteria: ACMG Guidelines, 2015. Collection method: clinical testing. Allele origin: germline. Affected: yes.
Comment: PVS1, PM2, PP3, PP5

Institute of Medical Genetics and Applied Genomics, University Hospital Tübingen
Classification: Pathogenic. Last evaluated: 2020-10-23. Review status: criteria provided, single submitter. Criteria: ACMG Guidelines, 2015. Collection method: clinical testing. Allele origin: germline. Inheritance: X-linked recessive inheritance. Affected: yes.

OMIM
Classification: Pathogenic for SPONDYLOEPIPHYSEAL DYSPLASIA TARDA. Last evaluated: 2000-09-01. Review status: no assertion criteria provided. Collection method: literature only. Allele origin: germline. Not counted in ClinVar's aggregate classification.

Literature cited by the submitters: PubMed 9990351 (cited by OMIM); PubMed 10999831 (cited by OMIM).

NM_001011658.4(TRAPPC2):c.271_275del (p.Gln91fs)

Genes: OFD1 (OFD1 centriole and centriolar satellite protein; plus strand), TRAPPC2 (trafficking protein particle complex subunit 2; minus strand). Cytogenetic location: Xp22.2.
Variant type: Deletion.
Coding change: c.271_275del on transcript NM_001011658.4 (MANE Select); coding-DNA positions 271 to 275, 5 bases deleted (CAAGA; older notation c.271_275delCAAGA).
Protein change: p.Gln91fs; shifts the reading frame from glutamine 91.
Molecular consequence: frameshift variant.
Genome position (GRCh38, 1-based): chrX:13,716,053-13,716,057, TCTTG deleted on the plus strand (CAAGA on the coding strand, the reverse complement: TRAPPC2 is on the minus strand); deleting any 5 consecutive bases within chrX:13,716,053-13,716,061 gives the same sequence; the c. name uses the placement nearest the transcript's 3' end. VCF-style (leftmost placement, unchanged base first): chrX-13716052-TTCTTG-T. GRCh37 (hg19) VCF-style: chrX-13734171-TTCTTG-T.
Other names: c.373_377del, p.Gln125fs (NM_001128835.3); c.271_275del, p.Gln91fs (NM_014563.6); short protein forms Q125fs, Q91fs.
Identifiers: ClinVar variation 11510 (VCV000011510.4), dbSNP rs587776751, ClinGen allele CA269987.
Genomic context (GRCh38, chrX:13,716,052, plus strand): 5'-AACATACCATACCTTTATATATAAATCATAAACATCAGTAAAGAAGTTCTTTATTCCATC[TTCTTG>T]TCTTATGTCATGAAGCATAATAAACCTCATATGTGAAATAATTAAGGCATAATCTTTCTT-3'